The following is an entry in ClinVar:

ClinVar aggregate classification (germline): Conflicting classifications of pathogenicity. Review status: criteria provided, conflicting classifications (1 of 4 stars). 8 submissions from 7 submitters: Uncertain significance (3); Likely benign (4). 1 of the submissions does not count toward it. Last evaluated 2026-01-05.

Conditions:
Autosomal recessive nonsyndromic hearing loss 12. Also called: DEAFNESS, AUTOSOMAL RECESSIVE 12. Identifiers: Orphanet 90636, MedGen C1832394, MONDO:0011067, OMIM 601386.
Usher syndrome type 1 (USH1). Also called: RETINITIS PIGMENTOSA AND CONGENITAL DEAFNESS. Identifiers: Orphanet 231169, Orphanet 886, MedGen C1568247, MONDO:0010168, OMIM 276900.
Usher syndrome type 1D (USH1D). Also called: USHER SYNDROME, TYPE ID. Identifiers: Orphanet 231169, Orphanet 886, MedGen C1832845, MONDO:0010984, OMIM 601067.

Allele frequency attached by ClinVar (database versions not stated): gnomAD exomes 0.00020; ExAC 0.00025; ESP Exome Variant Server 0.00063; TOPMed 0.00066; gnomAD 0.00067 and 0.00069; 1000 Genomes Project 30x 0.00078; 1000 Genomes Project 0.00080.
gnomAD v4.1: 227 of 1,613,964 alleles (0.014%); highest among the groups gnomAD compares: African/African-American, 0.23%; no homozygotes.

Submissions (8):

Labcorp Genetics (formerly Invitae), Labcorp
Classification: Likely benign. Last evaluated: 2026-01-05. Review status: criteria provided, single submitter. Criteria: Invitae Variant Classification Sherloc (09022015). Collection method: clinical testing. Allele origin: germline.

Blueprint Genetics
Classification: Likely benign. Last evaluated: 2024-10-01. Review status: criteria provided, single submitter. Criteria: ACMG Guidelines, 2015. Collection method: clinical testing. Allele origin: germline.

GeneDx
Classification: Likely benign. Last evaluated: 2021-10-02. Review status: criteria provided, single submitter. Criteria: GeneDx Variant Classification Process June 2021. Collection method: clinical testing. Allele origin: germline. Affected: yes.

Illumina Laboratory Services, Illumina
Classification: Uncertain significance for Autosomal recessive nonsyndromic hearing loss 12. Last evaluated: 2018-01-12. Review status: criteria provided, single submitter. Criteria: ICSL Variant Classification Criteria 13 December 2019. Collection method: clinical testing. Allele origin: germline.

Illumina Laboratory Services, Illumina
Classification: Uncertain significance for Usher syndrome type 1D. Last evaluated: 2018-01-12. Review status: criteria provided, single submitter. Criteria: ICSL Variant Classification Criteria 13 December 2019. Collection method: clinical testing. Allele origin: germline.

Eurofins Ntd Llc (ga)
Classification: Uncertain significance. Last evaluated: 2017-11-30. Review status: criteria provided, single submitter. Criteria: EGL Classification Definitions 2015. Collection method: clinical testing. Allele origin: germline. Observed: 1 variant allele, 1 heterozygote.

Laboratory for Molecular Medicine, Mass General Brigham Personalized Medicine
Classification: Likely benign. Last evaluated: 2017-01-31. Review status: criteria provided, single submitter. Criteria: LMM Criteria. Collection method: clinical testing. Allele origin: germline. Observed: 1 variant allele.
Comment: p.Thr2143Thr in exon 48 of CDH23: This variant is not expected to have clinical significance because it does not alter an amino acid residue, is not located wit hin the splice consensus sequence, and has been identified in 0.2% (24/9792) of African chromosomes by the Exome Aggregation Consortium (ExAC; dbSNP rs142788731).

Natera, Inc.
Classification: Likely benign for Usher syndrome type 1. Last evaluated: 2020-02-27. Review status: no assertion criteria provided. Collection method: clinical testing. Allele origin: germline. Not counted in ClinVar's aggregate classification.

NM_022124.6(CDH23):c.6429G>A (p.Thr2143=)

Gene: CDH23 (cadherin related 23; plus strand). Cytogenetic location: 10q22.1.
Variant type: single nucleotide variant.
Coding change: c.6429G>A on transcript NM_022124.6 (MANE Select); coding-DNA position 6429, G replaced by A.
Protein change: p.Thr2143=; no amino-acid change (threonine 2143 retained).
Molecular consequence: synonymous variant.
Genome position (GRCh38, 1-based): chr10:71,793,357, G>A. VCF-style: chr10-71793357-G-A. GRCh37 (hg19) VCF-style: chr10-73553114-G-A.
Identifiers: ClinVar variation 300452 (VCV000300452.28), dbSNP rs142788731, ClinGen allele CA5546078.